The following is an entry in ClinVar:

NM_002890.3(RASA1):c.434_451delinsA (p.Pro145fs)

Gene: RASA1 (RAS p21 protein activator 1; plus strand). Cytogenetic location: 5q14.3.
Variant type: Indel.
Coding change: c.434_451delinsA on transcript NM_002890.3 (MANE Select); coding-DNA positions 434 to 451, CTTTGGGGGCGGGCCTCG replaced by A.
Protein change: p.Pro145fs; shifts the reading frame from proline 145.
Molecular consequence: frameshift variant.
Genome position (GRCh38, 1-based): chr5:87,268,885-87,268,902, CTTTGGGGGCGGGCCTCG replaced by A. VCF-style: chr5-87268885-CTTTGGGGGCGGGCCTCG-A. GRCh37 (hg19) VCF-style: chr5-86564702-CTTTGGGGGCGGGCCTCG-A.
Other names: short protein forms P145fs.
Identifiers: ClinVar variation 2877034 (VCV002877034.3), dbSNP rs2531003554, ClinGen allele CA2739274823.

ClinVar aggregate classification (germline): Pathogenic (1 of 4 stars; one submission).

Conditions:
Capillary malformation-arteriovenous malformation syndrome. Also called: Capillary malformation-arteriovenous malformation. Identifiers: Orphanet 137667, MedGen C1842180, MONDO:0012016.

Submission:

Labcorp Genetics (formerly Invitae), Labcorp
Classification: Pathogenic for Capillary malformation-arteriovenous malformation syndrome. Last evaluated: 2021-12-18. Review status: criteria provided, single submitter. Criteria: Invitae Variant Classification Sherloc (09022015). Collection method: clinical testing. Allele origin: germline.
Comment: This sequence change creates a premature translational stop signal (p.Pro145Glnfs*7) in the RASA1 gene. It is expected to result in an absent or disrupted protein product. Loss-of-function variants in RASA1 are known to be pathogenic (PMID: 24038909). This variant is not present in population databases (gnomAD no frequency). This variant has not been reported in the literature in individuals affected with RASA1-related conditions. Algorithms developed to predict the effect of sequence changes on RNA splicing suggest that this variant may create or strengthen a splice site. For these reasons, this variant has been classified as Pathogenic.

Literature cited by the submitters: PubMed 24038909.